The following is an entry in ClinVar:

ClinVar aggregate classification (germline): Uncertain significance. Review status: criteria provided, multiple submitters, no conflicts (2 of 4 stars). 2 submissions from 2 submitters: Uncertain significance (2). Last evaluated 2023-06-29.

Conditions:
Inborn genetic diseases. Identifiers: MedGen C0950123, MeSH D030342.
SEC24D-related disorder. Also called: SEC24D-related condition.

Allele frequency attached by ClinVar (database versions not stated): ExAC 0.00001; gnomAD 0.00001; gnomAD exomes 0.00001; TOPMed 0.00002; 1000 Genomes Project 30x 0.00016; 1000 Genomes Project 0.00020.
gnomAD v4.1: 11 of 1,596,606 alleles (0.00069%); highest among the groups gnomAD compares: African/African-American, 0.0013%; no homozygotes.

Submissions (2):

PreventionGenetics, part of Exact Sciences
Classification: Uncertain significance for SEC24D-related condition. Last evaluated: 2023-06-29. Review status: criteria provided, single submitter. Criteria: ACMG Guidelines, 2015. Collection method: clinical testing. Allele origin: germline.
Comment: The SEC24D c.115A>G variant is predicted to result in the amino acid substitution p.Thr39Ala. To our knowledge, this variant has not been reported in the literature. This variant is reported in 0.0018% of alleles in individuals of European (Non-Finnish) descent in gnomAD. At this time, the clinical significance of this variant is uncertain due to the absence of conclusive functional and genetic evidence.

Ambry Genetics
Classification: Uncertain significance for Inborn genetic diseases. Last evaluated: 2023-02-22. Review status: criteria provided, single submitter. Criteria: Ambry Variant Classification Scheme 2023. Collection method: clinical testing. Allele origin: germline.

NM_014822.4(SEC24D):c.115A>G (p.Thr39Ala)

Gene: SEC24D (SEC24 homolog D, COPII coat complex component; minus strand). Cytogenetic location: 4q26.
Variant type: single nucleotide variant.
Coding change: c.115A>G on transcript NM_014822.4 (MANE Select); coding-DNA position 115, A replaced by G.
Protein change: p.Thr39Ala; replaces threonine 39 with alanine.
Molecular consequence: missense variant.
Genome position (GRCh38, 1-based): chr4:118,833,582, T>C on the plus strand (A>G on the coding strand, the complement: SEC24D is on the minus strand). VCF-style: chr4-118833582-T-C. GRCh37 (hg19) VCF-style: chr4-119754737-T-C.
Other names: c.115A>G, p.Thr39Ala (NM_001318066.2); c.115A>G (NM_014822.3); short protein forms T39A.
Identifiers: ClinVar variation 2470616 (VCV002470616.3), dbSNP rs566872148, ClinGen allele CA3057646.
Genomic context (GRCh38, chr4:118,833,582, plus strand): 5'-ATGTCTCTGAGCCTGAGAACTGAATAATCACATACAAGTCAAAATAACACACTGTACCTG[T>C]TGGAGATGCTGTGTGCGACGGATCCCCATAGTGCCCATAATGAGGTGGAGAAAGGCCTAT-3'
Protein context (NP_055637.2, residues 29-49): YGDPSHTASP[Thr39Ala]GMMKPAGPLG